The following is an entry in ClinVar:

ClinVar aggregate classification (germline): Uncertain significance. Review status: criteria provided, multiple submitters, no conflicts (2 of 4 stars). 2 submissions from 2 submitters: Uncertain significance (2). Last evaluated 2026-04-01.

Conditions:
3-hydroxyisobutyryl-CoA hydrolase deficiency. Also called: HIBCH DEFICIENCY; METHACRYLIC ACID TOXICITY; METHACRYLIC ACIDURIA; VALINE METABOLIC DEFECT; Reduced circulating 3-hydroxyisobutyryl-CoA hydrolase activity; Deficiency of 3-hydroxyisobutyryl CoA hydrolase. Identifiers: Orphanet 88639, MedGen C0342738, MONDO:0009603, OMIM 250620, HP:6000215.

Submissions (2):

CeGaT Center for Human Genetics Tuebingen
Classification: Uncertain significance. Last evaluated: 2026-04-01. Review status: criteria provided, single submitter. Criteria: CeGaT Center For Human Genetics Tuebingen Variant Classification Criteria Version 2. Collection method: clinical testing. Allele origin: germline. Affected: yes. Observed: 1 variant allele.

Neuberg Centre For Genomic Medicine, NCGM
Classification: Uncertain significance for 3-hydroxyisobutyryl-CoA hydrolase deficiency. Review status: criteria provided, single submitter. Criteria: ACMG Guidelines, 2015. Collection method: clinical testing. Allele origin: germline. Inheritance: Autosomal recessive inheritance. Affected: yes.
Comment: The observed missense c.644A>G (p.His215Arg) variant in HIBCH gene has not been reported previously as a pathogenic variant nor as a benign variant, to our knowledge. The p.His215Arg variant is absent in gnomAD Exomes. This variant has not been submitted to the ClinVar database. The amino acid change p.His215Arg in HIBCH is predicted as conserved by GERP++ and PhyloP across 100 vertebrates. The amino acid His at position 215 is changed to a Arg changing protein sequence and it might alter its composition and physico-chemical properties. Multiple lines of computational evidence (Polyphen - Probably damaging, SIFT - Damaging and MutationTaster - Disease causing) predict a damaging effect on protein structure and function for this variant. For these reasons, this variant has been classified as a Variant of Uncertain Significance (VUS).

NM_014362.4(HIBCH):c.644A>G (p.His215Arg)

Gene: HIBCH (3-hydroxyisobutyryl-CoA hydrolase; minus strand). Cytogenetic location: 2q32.2.
Variant type: single nucleotide variant.
Coding change: c.644A>G on transcript NM_014362.4 (MANE Select); coding-DNA position 644, A replaced by G.
Protein change: p.His215Arg; replaces histidine 215 with arginine.
Molecular consequence: missense variant.
Genome position (GRCh38, 1-based): chr2:190,252,181, T>C on the plus strand (A>G on the coding strand, the complement: HIBCH is on the minus strand). VCF-style: chr2-190252181-T-C. GRCh37 (hg19) VCF-style: chr2-191116907-T-C.
Other names: c.644A>G, p.His215Arg (NM_198047.3); short protein forms H215R.
Identifiers: ClinVar variation 3242129 (VCV003242129.3), dbSNP rs2468735311.